The following is an entry in ClinVar:

NM_000486.6(AQP2):c.275C>T (p.Ala92Val)

Gene: AQP2 (aquaporin 2; plus strand). Cytogenetic location: 12q13.12.
Variant type: single nucleotide variant.
Coding change: c.275C>T on transcript NM_000486.6 (MANE Select); coding-DNA position 275, C replaced by T.
Protein change: p.Ala92Val; replaces alanine 92 with valine.
Molecular consequence: missense variant.
Genome position (GRCh38, 1-based): chr12:49,951,105, C>T. VCF-style: chr12-49951105-C-T. GRCh37 (hg19) VCF-style: chr12-50344888-C-T.
Other names: short protein forms A92V.
Identifiers: ClinVar variation 3694767 (VCV003694767.2).
Genomic context (GRCh38, chr12:49,951,105, plus strand): 5'-CTGTGGCCTGCCTGGTGGGCTGCCACGTCTCCGTTCTCCGAGCCGCCTTCTACGTGGCTG[C>T]CCAGCTGCTGGGGGCTGTGGCCGGAGCCGCTCTGCTCCATGAGATCACGCCAGCAGACAT-3'
Protein context (NP_000477.1, residues 82-102): SVLRAAFYVA[Ala92Val]QLLGAVAGAA

ClinVar aggregate classification (germline): Uncertain significance (1 of 4 stars; one submission).

gnomAD v4.1: 1 of 1,608,582 alleles (0.000062%); no homozygotes.

Submission:

Labcorp Genetics (formerly Invitae), Labcorp
Classification: Uncertain significance. Last evaluated: 2024-03-14. Review status: criteria provided, single submitter. Criteria: Invitae Variant Classification Sherloc (09022015). Collection method: clinical testing. Allele origin: germline.
Comment: This sequence change replaces alanine, which is neutral and non-polar, with valine, which is neutral and non-polar, at codon 92 of the AQP2 protein (p.Ala92Val). This variant is present in population databases (no rsID available, gnomAD no frequency). This variant has not been reported in the literature in individuals affected with AQP2-related conditions. Advanced modeling of protein sequence and biophysical properties (such as structural, functional, and spatial information, amino acid conservation, physicochemical variation, residue mobility, and thermodynamic stability) performed at Invitae indicates that this missense variant is not expected to disrupt AQP2 protein function with a negative predictive value of 80%. In summary, the available evidence is currently insufficient to determine the role of this variant in disease. Therefore, it has been classified as a Variant of Uncertain Significance.